The following is an entry in ClinVar:

ClinVar aggregate classification (germline): Uncertain significance. Review status: criteria provided, single submitter (1 of 4 stars). 2 submissions from 2 submitters: Uncertain significance (1). 1 of the submissions does not count toward it. Last evaluated 2022-01-28.

Conditions:
PCSK1-related disorder. Also called: PCSK1-related condition.

Allele frequency attached by ClinVar (database versions not stated): TOPMed below 0.00001; gnomAD 0.00001; gnomAD exomes 0.00001; ExAC 0.00002.
gnomAD v4.1: 19 of 1,605,010 alleles (0.0012%); highest among the groups gnomAD compares: East Asian, 0.0045%; no homozygotes.

Submissions (2):

Labcorp Genetics (formerly Invitae), Labcorp
Classification: Uncertain significance. Last evaluated: 2022-01-28. Review status: criteria provided, single submitter. Criteria: Invitae Variant Classification Sherloc (09022015). Collection method: clinical testing. Allele origin: germline.
Comment: This sequence change replaces glycine, which is neutral and non-polar, with arginine, which is basic and polar, at codon 209 of the PCSK1 protein (p.Gly209Arg). This variant is present in population databases (rs768031892, gnomAD 0.01%). This missense change has been observed in individual(s) with clinical features of PCSK1-related conditions (PMID: 23562752). Algorithms developed to predict the effect of missense changes on protein structure and function (SIFT, PolyPhen-2, Align-GVGD) all suggest that this variant is likely to be disruptive. Experimental studies have shown that this missense change affects PCSK1 function (PMID: 23562752, 26207343). Algorithms developed to predict the effect of sequence changes on RNA splicing suggest that this variant may create or strengthen a splice site. In summary, the available evidence is currently insufficient to determine the role of this variant in disease. Therefore, it has been classified as a Variant of Uncertain Significance.

PreventionGenetics, part of Exact Sciences
Classification: Uncertain significance for PCSK1-related condition. Last evaluated: 2024-05-14. Review status: no assertion criteria provided. Collection method: clinical testing. Allele origin: germline. Not counted in ClinVar's aggregate classification.
Comment: The PCSK1 c.625G>A variant is predicted to result in the amino acid substitution p.Gly209Arg. This variant has been reported in the homozygous state in an individual with proprotein convertase 1/3 deficiency (Kindred 2, Martín et al. 2013. PubMed ID: 23562752). A functional study using in vitro cell expression found that the p.Gly209Arg substitution resulted in protein retention in the endoplasmic reticulum and subsequently a lack of enzymatic activity (Blanco et al. 2015. PubMed ID: 26207343). This same study revealed that this substitution may have a dominant negative effect on the alternate allele of PCSK1. Another in vitro functional study also showed strong evidence of loss of function (Table 3 and Supplemental Data Set, Shah et al. 2023. PubMed ID: 36864747). Although we suspect that this variant may be pathogenic, at this time, the clinical significance of this variant is uncertain due to the absence of conclusive functional and genetic evidence.

Literature cited by the submitters: PubMed 23562752 (cited by Labcorp Genetics (formerly Invitae), Labcorp); PubMed 26207343 (cited by Labcorp Genetics (formerly Invitae), Labcorp).

NM_000439.5(PCSK1):c.625G>A (p.Gly209Arg)

Genes: CAST (calpastatin; plus strand), PCSK1 (proprotein convertase subtilisin/kexin type 1; minus strand), LOC101929710 (uncharacterized LOC101929710; plus strand). Cytogenetic location: 5q15.
Variant type: single nucleotide variant.
Coding change: c.625G>A on transcript NM_000439.5 (MANE Select); coding-DNA position 625, G replaced by A.
Protein change: p.Gly209Arg; replaces glycine 209 with arginine.
Molecular consequence: missense variant.
Genome position (GRCh38, 1-based): chr5:96,416,117, C>T on the plus strand (G>A on the coding strand, the complement: PCSK1 is on the minus strand). VCF-style: chr5-96416117-C-T. GRCh37 (hg19) VCF-style: chr5-95751821-C-T.
Other names: c.484G>A, p.Gly162Arg (NM_001177875.2); c.625G>A (NM_000439.4); short protein forms G162R, G209R.
Identifiers: ClinVar variation 2203668 (VCV002203668.2), dbSNP rs768031892, ClinGen allele CA3350409.
Genomic context (GRCh38, chr5:96,416,117, plus strand): 5'-CTCCAACCCCGCATTTGTGATTATTTGCTTGCATGGCAATTTCTCCTGCACATCTGGTCC[C>T]GTGTCTGAGGATTGAAAAATAAGAATTATAAAACATACAGAAGAACAAACATTTGTTTTG-3'
Protein context (NP_000430.3, residues 199-219): RYDPTNENKH[Gly209Arg]TRCAGEIAMQ